The following is an entry in ClinVar:

ClinVar aggregate classification (germline): Pathogenic/Likely pathogenic. Review status: criteria provided, multiple submitters, no conflicts (2 of 4 stars). 3 submissions from 3 submitters: Pathogenic (1); Likely pathogenic (2). Last evaluated 2022-09-23.

Conditions:
TUBGCP6-related disorder. Also called: TUBGCP6-related condition.

Allele frequency attached by ClinVar (database versions not stated): gnomAD 0.00001; gnomAD exomes 0.00001 and 0.00002; TOPMed 0.00001.
gnomAD v4.1: 29 of 1,614,018 alleles (0.0018%); highest among the groups gnomAD compares: Non-Finnish European, 0.0024%; no homozygotes.

Submissions (3):

Blueprint Genetics
Classification: Likely pathogenic for TUBGCP6-related disorders. Last evaluated: 2022-09-23. Review status: criteria provided, single submitter. Criteria: ACMG Guidelines, 2015. Collection method: clinical testing. Allele origin: germline. Affected: yes. Observed: 5 variant alleles.

Labcorp Genetics (formerly Invitae), Labcorp
Classification: Likely pathogenic. Last evaluated: 2022-08-31. Review status: criteria provided, single submitter. Criteria: Invitae Variant Classification Sherloc (09022015). Collection method: clinical testing. Allele origin: germline.
Comment: This variant is present in population databases (no rsID available, gnomAD 0.003%). This sequence change affects a donor splice site in intron 9 of the TUBGCP6 gene. It is expected to disrupt RNA splicing. Variants that disrupt the donor or acceptor splice site typically lead to a loss of protein function (PMID: 16199547), and loss-of-function variants in TUBGCP6 are known to be pathogenic (PMID: 25344692). This variant has not been reported in the literature in individuals affected with TUBGCP6-related conditions. In summary, the currently available evidence indicates that the variant is pathogenic, but additional data are needed to prove that conclusively. Therefore, this variant has been classified as Likely Pathogenic. Algorithms developed to predict the effect of sequence changes on RNA splicing suggest that this variant may disrupt the consensus splice site. ClinVar contains an entry for this variant (Variation ID: 280617).

GeneDx
Classification: Pathogenic. Last evaluated: 2016-05-17. Review status: criteria provided, single submitter. Criteria: GeneDx Variant Classification (06012015). Collection method: clinical testing. Allele origin: germline. Affected: yes.
Comment: The c.1833+1G>A pathogenic variant in the TUBGCP6 gene has not been reported previously as a pathogenic variant nor as a benign variant, to our knowledge. This splice site variant destroys the canonical splice donor site in intron 9. It is predicted to cause abnormal gene splicing, either leading to an abnormal message that is subject to nonsense-mediated mRNA decay, or to an abnormal protein product if the message is used for protein translation. The c.1833+1G>A variant was not observed in approximately 6,500 individuals of European and African American ancestry in the NHLBI Exome Sequencing Project, indicating it is not a common benign variant in these populations. We interpret c.1833+1G>A as a pathogenic variant.

Literature cited by the submitters: PubMed 16199547 (cited by Labcorp Genetics (formerly Invitae), Labcorp); PubMed 25344692 (cited by Labcorp Genetics (formerly Invitae), Labcorp).

NM_020461.4(TUBGCP6):c.1833+1G>A

Gene: TUBGCP6 (tubulin gamma complex component 6; minus strand). Cytogenetic location: 22q13.33.
Variant type: single nucleotide variant.
Coding change: c.1833+1G>A on transcript NM_020461.4 (MANE Select); the canonical splice donor site of the intron after coding-DNA position 1833, G replaced by A.
Molecular consequence: splice donor variant.
Genome position (GRCh38, 1-based): chr22:50,226,049, C>T on the plus strand (G>A on the coding strand, the complement: TUBGCP6 is on the minus strand). VCF-style: chr22-50226049-C-T. GRCh37 (hg19) VCF-style: chr22-50664478-C-T.
Identifiers: ClinVar variation 280617 (VCV000280617.8), dbSNP rs886041788, ClinGen allele CA10603391.